The following is an entry in ClinVar:

NM_020812.4(DOCK6):c.3562C>T (p.Gln1188Ter)

Genes: DOCK6 (dedicator of cytokinesis 6; minus strand), DOCK6-AS1 (DOCK6 antisense RNA 1; plus strand). Cytogenetic location: 19p13.2.
Variant type: single nucleotide variant.
Coding change: c.3562C>T on transcript NM_020812.4 (MANE Select); coding-DNA position 3562, C replaced by T.
Protein change: p.Gln1188Ter; replaces glutamine 1188 with a stop codon.
Molecular consequence: nonsense.
Genome position (GRCh38, 1-based): chr19:11,217,380, G>A on the plus strand (C>T on the coding strand, the complement: DOCK6 is on the minus strand). VCF-style: chr19-11217380-G-A. GRCh37 (hg19) VCF-style: chr19-11328056-G-A.
Other names: c.3667C>T, p.Gln1223Ter (NM_001367830.1); short protein forms Q1188*, Q1223*.
Identifiers: ClinVar variation 499360 (VCV000499360.11), dbSNP rs372751467, ClinGen allele CA9207201.

ClinVar aggregate classification (germline): Pathogenic/Likely pathogenic. Review status: criteria provided, multiple submitters, no conflicts (2 of 4 stars). 5 submissions from 5 submitters: Pathogenic (2); Likely pathogenic (3). Last evaluated 2025-12-30.

Conditions:
Adams-Oliver syndrome 1 (AOS1). Also called: APLASIA CUTIS CONGENITA WITH TERMINAL TRANSVERSE LIMB DEFECTS; ABSENCE DEFECT OF LIMBS, SCALP, AND SKULL; CONGENITAL SCALP DEFECTS WITH DISTAL LIMB REDUCTION ANOMALIES. Identifiers: Orphanet 974, MedGen C4551482, MONDO:0024506, OMIM 100300.
Adams-Oliver syndrome 2 (AOS2). Identifiers: Orphanet 974, MedGen C3280182, MONDO:0013635, OMIM 614219.
DOCK6-related disorder. Also called: DOCK6-related condition.

Allele frequency attached by ClinVar (database versions not stated): gnomAD exomes 0.00002 and 0.00003; ExAC 0.00006; gnomAD 0.00001 and 0.00002; TOPMed 0.00006; ESP Exome Variant Server 0.00024.
gnomAD v4.1: 28 of 1,612,982 alleles (0.0017%); highest among the groups gnomAD compares: Admixed American, 0.005%; no homozygotes.

Submissions (5):

Clinical Genetics Laboratory, Region Ostergotland
Classification: Pathogenic for Adams-Oliver syndrome 2. Last evaluated: 2025-12-30. Review status: criteria provided, single submitter. Criteria: ACMG Guidelines, 2015. Collection method: clinical testing. Allele origin: germline. Affected: yes.
Comment: This was confirmed by parental testing. This variant is reported at a low frequency in gnomAD v4.1.1 (non-UKB): total AF 0.00002052 and is associated with PMID:31980526. The following ACMG/AMP criteria were applied in classifying this variant as Pathogenic: PVS1, PM2, PM3

Labcorp Genetics (formerly Invitae), Labcorp
Classification: Pathogenic. Last evaluated: 2025-09-03. Review status: criteria provided, single submitter. Criteria: Invitae Variant Classification Sherloc (09022015). Collection method: clinical testing. Allele origin: germline.
Comment: This sequence change creates a premature translational stop signal (p.Gln1188*) in the DOCK6 gene. It is expected to result in an absent or disrupted protein product. Loss-of-function variants in DOCK6 are known to be pathogenic (PMID: 21820096, 25824905). This variant is present in population databases (rs372751467, gnomAD 0.006%). This variant has not been reported in the literature in individuals affected with DOCK6-related conditions. ClinVar contains an entry for this variant (Variation ID: 499360). For these reasons, this variant has been classified as Pathogenic.

PreventionGenetics, part of Exact Sciences
Classification: Likely pathogenic for DOCK6-related condition. Last evaluated: 2023-02-21. Review status: criteria provided, single submitter. Criteria: ACMG Guidelines, 2015. Collection method: clinical testing. Allele origin: germline.
Comment: The DOCK6 c.3562C>T variant is predicted to result in premature protein termination (p.Gln1188*). To our knowledge, this variant has not been reported in a patient with a DOCK6 related disorder. This variant is reported in 0.0057% of alleles in individuals of Latino descent in gnomAD. Nonsense variants in DOCK6 are expected to be pathogenic. This variant is interpreted as likely pathogenic.

Molecular Diagnostics Laboratory, M Health Fairview: University of Minnesota
Classification: Likely pathogenic for Adams-Oliver syndrome 1. Last evaluated: 2018-08-14. Review status: criteria provided, single submitter. Criteria: ACMG Guidelines, 2015. Collection method: clinical testing. Allele origin: germline. Affected: yes. Observed: 1 variant allele.

Eurofins Ntd Llc (ga)
Classification: Likely pathogenic. Last evaluated: 2016-12-21. Review status: criteria provided, single submitter. Criteria: EGL Classification Definitions 2015. Collection method: clinical testing. Allele origin: germline. Observed: 1 variant allele, 1 heterozygote.

Literature cited by the submitters: PubMed 21820096 (cited by Labcorp Genetics (formerly Invitae), Labcorp); PubMed 25824905 (cited by Labcorp Genetics (formerly Invitae), Labcorp); PubMed 29924900 (cited by Molecular Diagnostics Laboratory, M Health Fairview: University of Minnesota); PubMed 26457590 (cited by Molecular Diagnostics Laboratory, M Health Fairview: University of Minnesota).